The following is an entry in ClinVar:

NM_024884.3(L2HGDH):c.1224_1225del (p.Leu409fs)

Gene: L2HGDH (L-2-hydroxyglutarate dehydrogenase; minus strand). Cytogenetic location: 14q21.3.
Variant type: Deletion.
Coding change: c.1224_1225del on transcript NM_024884.3 (MANE Select); coding-DNA positions 1224 to 1225, 2 bases deleted (CC; older notation c.1224_1225delCC).
Protein change: p.Leu409fs; shifts the reading frame from leucine 409.
Molecular consequence: frameshift variant.
Genome position (GRCh38, 1-based): chr14:50,247,225-50,247,226, GG deleted on the plus strand (CC on the coding strand, the reverse complement: L2HGDH is on the minus strand); deleting any 2 consecutive bases within chr14:50,247,225-50,247,227 gives the same sequence; the c. name uses the placement nearest the transcript's 3' end. VCF-style (leftmost placement, unchanged base first): chr14-50247224-AGG-A. GRCh37 (hg19) VCF-style: chr14-50713942-AGG-A.
Other names: c.1224_1225del, p.Leu409fs (NM_001425212.1); c.1113_1114del, p.Leu372fs (NM_001425213.1, NM_001425214.1); c.678_679del, p.Leu227fs (NM_001425215.1, NM_001425216.1, NM_001425217.1 and 1 more transcripts); short protein forms L409fs, L227fs, L372fs.
Identifiers: ClinVar variation 3630706 (VCV003630706.2).

ClinVar aggregate classification (germline): Uncertain significance (1 of 4 stars; one submission).

Conditions:
L-2-hydroxyglutaric aciduria (L2HGA). Identifiers: Orphanet 79314, MedGen C1855995, MONDO:0009370, OMIM 236792, HP:0040144.

Submission:

Labcorp Genetics (formerly Invitae), Labcorp
Classification: Uncertain significance for L-2-hydroxyglutaric aciduria. Last evaluated: 2025-06-12. Review status: criteria provided, single submitter. Criteria: Invitae Variant Classification Sherloc (09022015). Collection method: clinical testing. Allele origin: germline.
Comment: This sequence change creates a premature translational stop signal (p.Leu409Glyfs*2) in the L2HGDH gene. While this is not anticipated to result in nonsense mediated decay, it is expected to disrupt the last 55 amino acid(s) of the L2HGDH protein. This variant is not present in population databases (gnomAD no frequency). This variant has not been reported in the literature in individuals affected with L2HGDH-related conditions. ClinVar contains an entry for this variant (Variation ID: 3630706). Experimental studies and prediction algorithms are not available or were not evaluated, and the functional significance of this variant is currently unknown. This variant disrupts a region of the L2HGDH protein in which other variant(s) (p.His434Pro) have been observed in individuals with L2HGDH-related conditions (PMID: 16134148). This suggests that this is a clinically significant region of the protein, and that variants that disrupt it are likely to be disease-causing. In summary, the available evidence is currently insufficient to determine the role of this variant in disease. Therefore, it has been classified as a Variant of Uncertain Significance.

Literature cited by the submitters: PubMed 16134148.